The following is an entry in ClinVar:

ClinVar aggregate classification (germline): Uncertain significance (1 of 4 stars; one submission).

Submission:

Labcorp Genetics (formerly Invitae), Labcorp
Classification: Uncertain significance. Last evaluated: 2022-11-29. Review status: criteria provided, single submitter. Criteria: Invitae Variant Classification Sherloc (09022015). Collection method: clinical testing. Allele origin: germline.
Comment: Experimental studies and prediction algorithms are not available or were not evaluated, and the effect of this variant on mRNA splicing is currently unknown. In summary, the available evidence is currently insufficient to determine the role of this variant in disease. Therefore, it has been classified as a Variant of Uncertain Significance. This sequence change falls in intron 16 of the AK7 gene. It does not directly change the encoded amino acid sequence of the AK7 protein. This variant is not present in population databases (gnomAD no frequency). This variant has not been reported in the literature in individuals affected with AK7-related conditions.

NM_152327.5(AK7):c.1975-17_1975-14delinsTATTCTATTTTAGAATATTCTATTCTATTTTATTT

Gene: AK7 (adenylate kinase 7; plus strand). Cytogenetic location: 14q32.2.
Variant type: Indel.
Coding change: c.1975-17_1975-14delinsTATTCTATTTTAGAATATTCTATTCTATTTTATTT on transcript NM_152327.5 (MANE Select); 17 bases into the intron before coding-DNA position 1975 through 14 bases into the intron before coding-DNA position 1975, the reference bases replaced by an inserted sequence.
Molecular consequence: intron variant.
Genome position (GRCh38, 1-based): chr14:96,486,881-96,486,884, 4 bases replaced. GRCh37 (hg19): chr14:96,953,218-96,953,221.
Other names: c.1906-17_1906-14delinsTATTCTATTTTAGAATATTCTATTCTATTTTATTT (NM_001350888.2, NM_001350890.2); c.1777-17_1777-14delinsTATTCTATTTTAGAATATTCTATTCTATTTTATTT (NM_001350892.2); c.1897-17_1897-14delinsTATTCTATTTTAGAATATTCTATTCTATTTTATTT (NM_001350891.2).
Identifiers: ClinVar variation 1478589 (VCV001478589.6), dbSNP rs2140186776, ClinGen allele CA2573150508.